The following is an entry in ClinVar:

ClinVar aggregate classification (germline): Uncertain significance. Review status: criteria provided, multiple submitters, no conflicts (2 of 4 stars). 3 submissions from 3 submitters: Uncertain significance (3). Last evaluated 2025-11-27.

Conditions:
Hereditary cancer-predisposing syndrome. Also called: Neoplastic Syndromes, Hereditary; Hereditary neoplastic syndrome; Tumor predisposition; Hereditary Cancer Syndrome. Identifiers: Orphanet 140162, MedGen C0027672, MeSH D009386, MONDO:0015356.
Familial adenomatous polyposis 1 (FAP1). Also called: FAMILIAL ADENOMATOUS POLYPOSIS 1, ATTENUATED; POLYPOSIS, ADENOMATOUS INTESTINAL. Identifiers: MedGen C2713442, MONDO:0021056, OMIM 175100. Disease mechanism: loss of function.

Submissions (3):

Labcorp Genetics (formerly Invitae), Labcorp
Classification: Uncertain significance for Familial adenomatous polyposis 1. Last evaluated: 2025-11-27. Review status: criteria provided, single submitter. Criteria: Invitae Variant Classification Sherloc (09022015). Collection method: clinical testing. Allele origin: germline.
Comment: This sequence change replaces glycine, which is neutral and non-polar, with arginine, which is basic and polar, at codon 2633 of the APC protein (p.Gly2633Arg). This variant is not present in population databases (gnomAD no frequency). This variant has not been reported in the literature in individuals affected with APC-related conditions. ClinVar contains an entry for this variant (Variation ID: 619777). Invitae Evidence Modeling of protein sequence and biophysical properties (such as structural, functional, and spatial information, amino acid conservation, physicochemical variation, residue mobility, and thermodynamic stability) indicates that this missense variant is not expected to disrupt APC protein function with a negative predictive value of 95%. In summary, the available evidence is currently insufficient to determine the role of this variant in disease. Therefore, it has been classified as a Variant of Uncertain Significance.

Ambry Genetics
Classification: Uncertain significance for Hereditary cancer-predisposing syndrome. Last evaluated: 2025-08-20. Review status: criteria provided, single submitter. Criteria: Ambry Variant Classification Scheme 2023. Collection method: clinical testing. Allele origin: germline.
Comment: The p.G2633R variant (also known as c.7897G>C), located in coding exon 15 of the APC gene, results from a G to C substitution at nucleotide position 7897. The glycine at codon 2633 is replaced by arginine, an amino acid with dissimilar properties. This amino acid position is conserved. In addition, in silico predictors for this gene do not accurately predict pathogenicity. Based on the available evidence, the clinical significance of this variant remains unclear.

Quest Diagnostics Nichols Institute San Juan Capistrano
Classification: Uncertain significance. Last evaluated: 2018-08-09. Review status: criteria provided, single submitter. Criteria: Quest Diagnostics criteria. Collection method: clinical testing. Allele origin: germline.

NM_000038.6(APC):c.7897G>C (p.Gly2633Arg)

Gene: APC (APC regulator of Wnt signaling pathway; plus strand). Cytogenetic location: 5q22.2.
Variant type: single nucleotide variant.
Coding change: c.7897G>C on transcript NM_000038.6 (MANE Select); coding-DNA position 7897, G replaced by C.
Protein change: p.Gly2633Arg; replaces glycine 2633 with arginine.
Molecular consequence: missense variant.
Genome position (GRCh38, 1-based): chr5:112,843,491, G>C. VCF-style: chr5-112843491-G-C. GRCh37 (hg19) VCF-style: chr5-112179188-G-C.
Other names: c.7897G>C, p.Gly2633Arg (NM_001127510.3, NM_001354895.2); c.7843G>C, p.Gly2615Arg (NM_001127511.3); c.7951G>C, p.Gly2651Arg (NM_001354896.2); c.7927G>C, p.Gly2643Arg (NM_001354897.2); c.7822G>C, p.Gly2608Arg (NM_001354898.2); c.7813G>C, p.Gly2605Arg (NM_001354899.2); c.7774G>C, p.Gly2592Arg (NM_001354900.2); c.7720G>C, p.Gly2574Arg (NM_001354901.2); and 5 more; short protein forms G2615R, G2633R, G2592R, G2542R, G2605R, G2608R, G2651R, G2350R.
Identifiers: ClinVar variation 619777 (VCV000619777.4), dbSNP rs1561619176, ClinGen allele CA16038484.